The following is an entry in ClinVar:

ClinVar aggregate classification (germline): Uncertain significance (1 of 4 stars; one submission).

Allele frequency attached by ClinVar (database versions not stated): gnomAD 0.00001; TOPMed 0.00002; ExAC 0.00003; gnomAD exomes 0.00004; ESP Exome Variant Server 0.00017.
gnomAD v4.1: 55 of 1,613,856 alleles (0.0034%); highest among the groups gnomAD compares: Non-Finnish European, 0.0047%; no homozygotes.

Submission:

Labcorp Genetics (formerly Invitae), Labcorp
Classification: Uncertain significance. Last evaluated: 2024-10-17. Review status: criteria provided, single submitter. Criteria: Invitae Variant Classification Sherloc (09022015). Collection method: clinical testing. Allele origin: germline.
Comment: This sequence change replaces threonine, which is neutral and polar, with serine, which is neutral and polar, at codon 447 of the FAT1 protein (p.Thr447Ser). This variant is present in population databases (rs372605416, gnomAD 0.007%). This variant has not been reported in the literature in individuals affected with FAT1-related conditions. An algorithm developed to predict the effect of missense changes on protein structure and function (PolyPhen-2) suggests that this variant is likely to be tolerated. In summary, the available evidence is currently insufficient to determine the role of this variant in disease. Therefore, it has been classified as a Variant of Uncertain Significance.

NM_005245.4(FAT1):c.1340C>G (p.Thr447Ser)

Gene: FAT1 (FAT atypical cadherin 1; minus strand). Cytogenetic location: 4q35.2.
Variant type: single nucleotide variant.
Coding change: c.1340C>G on transcript NM_005245.4 (MANE Select); coding-DNA position 1340, C replaced by G.
Protein change: p.Thr447Ser; replaces threonine 447 with serine.
Molecular consequence: missense variant.
Genome position (GRCh38, 1-based): chr4:186,708,488, G>C on the plus strand (C>G on the coding strand, the complement: FAT1 is on the minus strand). VCF-style: chr4-186708488-G-C. GRCh37 (hg19) VCF-style: chr4-187629642-G-C.
Other names: short protein forms T447S.
Identifiers: ClinVar variation 2908473 (VCV002908473.3), dbSNP rs372605416, ClinGen allele CA3167490.